The following is an entry in ClinVar:

NM_001379081.2(FREM1):c.-135G>C

Gene: FREM1 (FRAS1 related extracellular matrix 1; minus strand). Cytogenetic location: 9p22.3.
Variant type: single nucleotide variant.
Coding change: c.-135G>C on transcript NM_001379081.2 (MANE Select); 135 bases upstream of the start codon, G replaced by C.
Molecular consequence: 5 prime UTR variant. On other transcripts: non-coding transcript variant (4).
Genome position (GRCh38, 1-based): chr9:14,869,112, C>G on the plus strand (G>C on the coding strand, the complement: FREM1 is on the minus strand). VCF-style: chr9-14869112-C-G. GRCh37 (hg19) VCF-style: chr9-14869110-C-G.
Other names: c.-135G>C (NM_001370060.1, NM_001370063.1, NM_001370065.1 and 1 more transcripts).
Identifiers: ClinVar variation 366182 (VCV000366182.8), dbSNP rs12238629, ClinGen allele CA10633493.
Genomic context (GRCh38, chr9:14,869,112, plus strand): 5'-GGAGGGTCAGCTCATAGTCCAAGGGGCAGGGTGAGGGGTCCTGACAATGTGCCCCGAGAT[C>G]TTAACATGCCCCTTTCATTTCAAAGTCAGACAAGGGGGCCTTTCAGGCAATCCCAGGGCT-3'

ClinVar aggregate classification (germline): Benign. Review status: criteria provided, multiple submitters, no conflicts (2 of 4 stars). 3 submissions from 3 submitters: Benign (3). Last evaluated 2021-05-13.

Conditions:
Oculotrichoanal syndrome (MOTA). Also called: MARLES SYNDROME; Manitoba Oculotrichoanal (MOTA) Syndrome. Identifiers: Orphanet 2717, MedGen C1855425, MONDO:0009560, OMIM 248450.

Allele frequency attached by ClinVar (database versions not stated): TOPMed 0.16148; 1000 Genomes Project 30x 0.22533; 1000 Genomes Project 0.22843.
gnomAD v4.1: 101,182 of 584,226 alleles (17%); highest among the groups gnomAD compares: East Asian, 58%; 12,559 homozygotes.

Submissions (3):

GeneDx
Classification: Benign. Last evaluated: 2021-05-13. Review status: criteria provided, single submitter. Criteria: GeneDx Variant Classification Process June 2021. Collection method: clinical testing. Allele origin: germline. Affected: yes.

Illumina Laboratory Services, Illumina
Classification: Benign for Oculotrichoanal syndrome. Last evaluated: 2018-01-12. Review status: criteria provided, single submitter. Criteria: ICSL Variant Classification Criteria 13 December 2019. Collection method: clinical testing. Allele origin: germline.
Comment: This variant was observed in the ICSL laboratory as part of a predisposition screen in an ostensibly healthy population. It had not been previously curated by ICSL or reported in the Human Gene Mutation Database (HGMD: prior to June 1st, 2018), and was therefore a candidate for classification through an automated scoring system. Utilizing variant allele frequency, disease prevalence and penetrance estimates, and inheritance mode, an automated score was calculated to assess if this variant is too frequent to cause the disease. Based on the score and internal cut-off values, a variant classified as benign is not then subjected to further curation. The score for this variant resulted in a classification of benign for this disease.

Breakthrough Genomics
Classification: Benign. Review status: criteria provided, single submitter. Criteria: ACMG Guidelines, 2015. Collection method: not provided. Allele origin: germline. Inheritance: Autosomal recessive inheritance. Affected: yes.